The following is an entry in ClinVar:

ClinVar aggregate classification (germline): Uncertain significance (1 of 4 stars; one submission).

Conditions:
Cardiovascular phenotype. Identifiers: MedGen CN230736.

gnomAD v4.1: 3 of 1,524,616 alleles (0.0002%); highest among the groups gnomAD compares: Non-Finnish European, 0.00026%; no homozygotes.

Submission:

Ambry Genetics
Classification: Uncertain significance for Cardiovascular phenotype. Last evaluated: 2024-11-27. Review status: criteria provided, single submitter. Criteria: Ambry Variant Classification Scheme 2023. Collection method: clinical testing. Allele origin: germline.
Comment: The p.H640R variant (also known as c.1919A>G), located in coding exon 1 of the ZNF469 gene, results from an A to G substitution at nucleotide position 1919. The histidine at codon 640 is replaced by arginine, an amino acid with highly similar properties. This amino acid position is conserved. In addition, this alteration is predicted to be tolerated by in silico analysis. Based on the available evidence, the clinical significance of this variant remains unclear.

NM_001367624.2(ZNF469):c.1919A>G (p.His640Arg)

Gene: ZNF469 (zinc finger protein 469; plus strand). Cytogenetic location: 16q24.2.
Variant type: single nucleotide variant.
Coding change: c.1919A>G on transcript NM_001367624.2 (MANE Select); coding-DNA position 1919, A replaced by G.
Protein change: p.His640Arg; replaces histidine 640 with arginine.
Molecular consequence: missense variant.
Genome position (GRCh38, 1-based): chr16:88,429,389, A>G. VCF-style: chr16-88429389-A-G. GRCh37 (hg19) VCF-style: chr16-88495797-A-G.
Other names: NM_001127464.1:c.1919A>G; short protein forms H640R.
Identifiers: ClinVar variation 3476132 (VCV003476132.1).